The following is an entry in ClinVar:

ClinVar aggregate classification (germline): Likely pathogenic (1 of 4 stars; one submission).

Conditions:
Inborn genetic diseases. Identifiers: MedGen C0950123, MeSH D030342.

Submission:

Ambry Genetics
Classification: Likely pathogenic for Inborn genetic diseases. Last evaluated: 2024-07-09. Review status: criteria provided, single submitter. Criteria: Ambry Variant Classification Scheme 2023. Collection method: clinical testing. Allele origin: germline.
Comment: The c.736C>G (p.R246G) alteration is located in exon 9 (coding exon 9) of the ATRX gene. This alteration results from a C to G substitution at nucleotide position 736, causing the arginine (R) at amino acid position 246 to be replaced by a glycine (G). This variant was not reported in population-based cohorts in the Genome Aggregation Database (gnomAD). Two other alterations at the same codon, c.736C>T (p.R246C) and c.737G>T (p.R246L), have been reported in individuals with clinical features consistent with ATR-X syndrome (Villard, 1999; Gibbons, 2008). This amino acid position is highly conserved in available vertebrate species. This missense alteration is located in a region that has a low rate of benign missense variation (Lek, 2016; Firth, 2009). Based on internal structural analysis, this variant is mildly destabilizing to the local structure (Ooi, 2007; Otani, 2009; Dhayalan, 2011; Iwase, 2011). This alteration is predicted to be deleterious by in silico analysis. Based on the available evidence, this alteration is classified as likely pathogenic.

Literature cited by the submitters: PubMed 10204841; PubMed 17687327; PubMed 18409179; PubMed 19834512; PubMed 21421568; PubMed 21666679.

NM_000489.6(ATRX):c.736C>G (p.Arg246Gly)

Gene: ATRX (ATRX chromatin remodeler; minus strand). Cytogenetic location: Xq21.1.
Variant type: single nucleotide variant.
Coding change: c.736C>G on transcript NM_000489.6 (MANE Select); coding-DNA position 736, C replaced by G.
Protein change: p.Arg246Gly; replaces arginine 246 with glycine.
Molecular consequence: missense variant.
Genome position (GRCh38, 1-based): chrX:77,684,520, G>C on the plus strand (C>G on the coding strand, the complement: ATRX is on the minus strand). VCF-style: chrX-77684520-G-C. GRCh37 (hg19) VCF-style: chrX-76940012-G-C.
Other names: c.622C>G, p.Arg208Gly (NM_138270.5); short protein forms R208G, R246G.
Identifiers: ClinVar variation 3465801 (VCV003465801.1).